The following is an entry in ClinVar:

NM_015046.7(SETX):c.5274+4_5274+7del

Gene: SETX (senataxin; minus strand). Cytogenetic location: 9q34.13.
Variant type: Microsatellite.
Coding change: c.5274+4_5274+7del on transcript NM_015046.7 (MANE Select); bases 4 to 7 of the intron after coding-DNA position 5274, 4 bases deleted (AGTA; older notation c.5274+4_5274+7delAGTA).
Molecular consequence: splice donor variant.
Genome position (GRCh38, 1-based): chr9:132,326,317-132,326,320, TACT deleted on the plus strand (AGTA on the coding strand, the reverse complement: SETX is on the minus strand); deleting any 4 consecutive bases within chr9:132,326,317-132,326,324 gives the same sequence; the c. name uses the placement nearest the transcript's 3' end. VCF-style (leftmost placement, unchanged base first): chr9-132326316-ATACT-A. GRCh37 (hg19) VCF-style: chr9-135201703-ATACT-A.
Other names: c.5274+4_5274+7del (NM_001351528.2, NM_001351527.2).
Identifiers: ClinVar variation 1304859 (VCV001304859.2), dbSNP rs1846750267, ClinGen allele CA1882146840.
Genomic context (GRCh38, chr9:132,326,316, plus strand): 5'-TTCACTCAGCAAGGTAAAGAGGTAACTTGAAAAGTTTGGAGAGGCATACAAATGAAACAC[ATACT>A]TACTGTTTCAAAAGTATTCAATACCATCAAAGGGAAAAAAACATTAAAATAATCTCCATA-3'

ClinVar aggregate classification (germline): Uncertain significance (1 of 4 stars; one submission).

Submission:

GeneDx
Classification: Uncertain significance. Last evaluated: 2019-07-30. Review status: criteria provided, single submitter. Criteria: GeneDx Variant Classification Process June 2021. Collection method: clinical testing. Allele origin: germline. Affected: yes.
Comment: Not observed in large population cohorts (Lek et al., 2016); In silico analysis, which includes splice predictors and evolutionary conservation, supports a deleterious effect; Has not been previously published as pathogenic or benign to our knowledge